The following is an entry in ClinVar:

ClinVar aggregate classification (germline): Conflicting classifications of pathogenicity. Review status: criteria provided, conflicting classifications (1 of 4 stars). 4 submissions from 4 submitters: Uncertain significance (3); Likely benign (1). Last evaluated 2025-01-19.

Conditions:
Hereditary cancer-predisposing syndrome. Also called: Tumor predisposition; Hereditary Cancer Syndrome; Hereditary neoplastic syndrome; Neoplastic Syndromes, Hereditary. Identifiers: Orphanet 140162, MedGen C0027672, MeSH D009386, MONDO:0015356.
Hereditary breast ovarian cancer syndrome. Also called: Breast and ovarian cancer; Hereditary breast and ovarian cancer; Hereditary breast and/or ovarian cancer syndrome; BRCA1- and BRCA2-Associated Hereditary Breast and Ovarian Cancer; Hereditary breast and ovarian cancer syndrome (HBOC); Hereditary breast and ovarian cancer syndrome. Identifiers: Orphanet 145, MedGen C0677776, MeSH D061325, MONDO:0003582. Disease mechanism: loss of function.

Submissions (4):

Labcorp Genetics (formerly Invitae), Labcorp
Classification: Uncertain significance for Hereditary breast ovarian cancer syndrome. Last evaluated: 2025-01-19. Review status: criteria provided, single submitter. Criteria: Invitae Variant Classification Sherloc (09022015). Collection method: clinical testing. Allele origin: germline.
Comment: This sequence change replaces lysine, which is basic and polar, with arginine, which is basic and polar, at codon 680 of the BRCA1 protein (p.Lys680Arg). This variant is not present in population databases (gnomAD no frequency). This variant has not been reported in the literature in individuals affected with BRCA1-related conditions. ClinVar contains an entry for this variant (Variation ID: 182139). Invitae Evidence Modeling of protein sequence and biophysical properties (such as structural, functional, and spatial information, amino acid conservation, physicochemical variation, residue mobility, and thermodynamic stability) indicates that this missense variant is not expected to disrupt BRCA1 protein function with a negative predictive value of 80%. In summary, the available evidence is currently insufficient to determine the role of this variant in disease. Therefore, it has been classified as a Variant of Uncertain Significance.

University of Washington Department of Laboratory Medicine, University of Washington
Classification: Likely benign for Hereditary cancer-predisposing syndrome. Last evaluated: 2023-03-23. Review status: criteria provided, single submitter. Criteria: Dines et al. (Genet Med. 2020). Collection method: curation. Allele origin: germline.
Comment: Missense variant in a coldspot region where missense variants are very unlikely to be pathogenic (PMID:31911673).

BRCA1 coldspot (exon 11 using historical exon numbering). Reclassification based on statistical prior probability

Ambry Genetics
Classification: Uncertain significance for Hereditary cancer-predisposing syndrome. Last evaluated: 2023-02-08. Review status: criteria provided, single submitter. Criteria: Ambry Variant Classification Scheme 2023. Collection method: clinical testing. Allele origin: germline.
Comment: The p.K680R variant (also known as c.2039A>G), located in coding exon 9 of the BRCA1 gene, results from an A to G substitution at nucleotide position 2039. The lysine at codon 680 is replaced by arginine, an amino acid with highly similar properties. This amino acid position is well conserved in available vertebrate species. In addition, the in silico prediction for this alteration is inconclusive. Since supporting evidence is limited at this time, the clinical significance of this alteration remains unclear.

GeneDx
Classification: Uncertain significance. Last evaluated: 2014-01-10. Review status: criteria provided, single submitter. Criteria: GeneDx Variant Classification (06012015). Collection method: clinical testing. Allele origin: germline. Affected: yes.
Comment: This variant is denoted BRCA1 c.2039A>G at the cDNA level, p.Lys680Arg (K680R) at the protein level, and results in the change of a Lysine to an Arginine (AAG>AGG). This variant has not, to our knowledge, been published in the literature as pathogenic or benign. BRCA1 Lys680Arg was not observed in approximately 6,500 individuals of European and African American ancestry in the NHLBI Exome Sequencing Project, indicating it is not a common benign variant in these populations. This variant is a conservative substitution of one positive polar amino acid for another, altering a position that is only moderately conserved throughout evolution and is not located in a known functional domain (UniProt). In silico analyses are inconsistent with regard to the effect this variant may have on protein structure and function. Based on the currently available information, we consider BRCA1 Lys680Arg to be a variant of uncertain significance.

NM_007294.4(BRCA1):c.2039A>G (p.Lys680Arg)

Gene: BRCA1 (BRCA1 DNA repair associated; minus strand). Cytogenetic location: 17q21.31.
Variant type: single nucleotide variant.
Coding change: c.2039A>G on transcript NM_007294.4 (MANE Select); coding-DNA position 2039, A replaced by G.
Protein change: p.Lys680Arg; replaces lysine 680 with arginine.
Molecular consequence: missense variant. On other transcripts: intron variant (137).
Genome position (GRCh38, 1-based): chr17:43,093,492, T>C on the plus strand (A>G on the coding strand, the complement: BRCA1 is on the minus strand). VCF-style: chr17-43093492-T-C. GRCh37 (hg19) VCF-style: chr17-41245509-T-C.
Other names: p.K680R:AAG>AGG; c.1898A>G, p.Lys633Arg (NM_001407751.1, NM_001407850.1, NM_001407851.1 and 29 more transcripts); c.2039A>G, p.Lys680Arg (NM_001407639.1, NM_001407640.1, NM_001407641.1 and 30 more transcripts); c.2036A>G, p.Lys679Arg (NM_001407644.1, NM_001407645.1, NM_001407860.1 and 22 more transcripts); c.1895A>G, p.Lys632Arg (NM_001407842.1, NM_001407843.1, NM_001407844.1 and 20 more transcripts); c.1916A>G, p.Lys639Arg (NM_001407681.1, NM_001407682.1, NM_001407683.1 and 19 more transcripts); c.1913A>G, p.Lys638Arg (NM_001407685.1, NM_001407686.1, NM_001407687.1 and 11 more transcripts); c.1826A>G, p.Lys609Arg (NM_001407853.1, NM_001407894.1, NM_001407895.1 and 9 more transcripts); and 41 more; short protein forms K680R, K633R, K592R, K610R, K638R, K612R, K613R, K632R.
Identifiers: ClinVar variation 182139 (VCV000182139.9), dbSNP rs730881475, ClinGen allele CA001355.